The following is an entry in ClinVar:

NM_001378615.1(CC2D2A):c.4314+12C>T

Genes: CC2D2A (coiled-coil and C2 domain containing 2A; plus strand), FBXL5 (F-box and leucine rich repeat protein 5; minus strand). Cytogenetic location: 4p15.32.
Variant type: single nucleotide variant.
Coding change: c.4314+12C>T on transcript NM_001378615.1 (MANE Select); 12 bases into the intron after coding-DNA position 4314, C replaced by T.
Molecular consequence: intron variant.
Genome position (GRCh38, 1-based): chr4:15,589,691, C>T. VCF-style: chr4-15589691-C-T. GRCh37 (hg19) VCF-style: chr4-15591314-C-T.
Other names: c.4314+12C>T (NM_001080522.2); c.4167+12C>T (NM_001378617.1).
Identifiers: ClinVar variation 1032609 (VCV001032609.9), dbSNP rs775304664, ClinGen allele CA2864367.

ClinVar aggregate classification (germline): Conflicting classifications of pathogenicity. Review status: criteria provided, conflicting classifications (1 of 4 stars). 2 submissions from 2 submitters: Uncertain significance (1); Likely benign (1). Last evaluated 2025-11-22.

Conditions:
Joubert syndrome. Also called: JOUBERT-BOLTSHAUSER SYNDROME; Familial aplasia of the vermis. Identifiers: Orphanet 475, MedGen C5979921, MONDO:0018772.
Meckel-Gruber syndrome. Also called: Dysencephalia splachnocystica; DYSENCEPHALIA SPLANCHNOCYSTICA; GRUBER SYNDROME. Identifiers: Orphanet 564, MedGen C0265215, MONDO:0018921.
COACH syndrome 1. Identifiers: Orphanet 1454, MedGen C5435651, MONDO:0800103, OMIM 216360, MONDO:0008996.

Allele frequency attached by ClinVar (database versions not stated): gnomAD exomes 0.00001 and 0.00002; ExAC 0.00003; gnomAD 0.00009; TOPMed 0.00009.
gnomAD v4.1: 21 of 1,462,852 alleles (0.0014%); highest among the groups gnomAD compares: African/African-American, 0.021%; no homozygotes.

Submissions (2):

Labcorp Genetics (formerly Invitae), Labcorp
Classification: Likely benign for Joubert syndrome; Meckel-Gruber syndrome. Last evaluated: 2025-11-22. Review status: criteria provided, single submitter. Criteria: Invitae Variant Classification Sherloc (09022015). Collection method: clinical testing. Allele origin: germline.

Baylor Genetics
Classification: Uncertain significance for COACH syndrome 1. Last evaluated: 2018-02-13. Review status: criteria provided, single submitter. Criteria: ACMG Guidelines, 2015. Collection method: clinical testing. Allele origin: maternal. Affected: yes.
Comment: This variant was determined to be of uncertain significance according to ACMG Guidelines, 2015 [PMID:25741868].